The following is an entry in ClinVar:

ClinVar aggregate classification (germline): Pathogenic (1 of 4 stars; one submission).

Conditions:
Hereditary nonpolyposis colorectal neoplasms. Identifiers: MedGen C0009405, MeSH D003123.

Submission:

Labcorp Genetics (formerly Invitae), Labcorp
Classification: Pathogenic for Hereditary nonpolyposis colorectal neoplasms. Last evaluated: 2021-08-04. Review status: criteria provided, single submitter. Criteria: Invitae Variant Classification Sherloc (09022015). Collection method: clinical testing. Allele origin: germline.
Comment: This variant is a gross deletion of the genomic region encompassing exon(s) 1-10 of the PMS2 gene, which includes the initiator codon. The 5' end of this event is unknown as it extends beyond the assayed region for this gene and therefore may encompass additional genes. The 3' boundary is likely confined to intron 10 of the PMS2 gene. It is expected to result in an absent or disrupted protein product. Loss-of-function variants in PMS2 are known to be pathogenic (PMID: 21376568, 24362816). A similar copy number variant has been observed in individual(s) with Lynch syndrome (PMID: 17653898). For these reasons, this variant has been classified as Pathogenic.

Literature cited by the submitters: PubMed 21376568; PubMed 24362816; PubMed 17653898.

NC_000007.14:g.(?_5989790)_(6009029_?)del

Gene: PMS2 (PMS1 homolog 2, mismatch repair system component; minus strand). Cytogenetic location: 7p22.1.
Variant type: Deletion.
Identifiers: ClinVar variation 831114 (VCV000831114.6).